The following is an entry in ClinVar:

NM_000135.4(FANCA):c.2763_2769del (p.Glu922fs)

Gene: FANCA (FA complementation group A; minus strand). Cytogenetic location: 16q24.3.
Variant type: Deletion.
Coding change: c.2763_2769del on transcript NM_000135.4 (MANE Select); coding-DNA positions 2763 to 2769, 7 bases deleted (AGAGGAA; older notation c.2763_2769delAGAGGAA).
Protein change: p.Glu922fs; shifts the reading frame from glutamic acid 922.
Molecular consequence: frameshift variant.
Genome position (GRCh38, 1-based): chr16:89,764,899-89,764,905, TTCCTCT deleted on the plus strand (AGAGGAA on the coding strand, the reverse complement: FANCA is on the minus strand); deleting any 7 consecutive bases within chr16:89,764,899-89,764,908 gives the same sequence; the c. name uses the placement nearest the transcript's 3' end. VCF-style (leftmost placement, unchanged base first): chr16-89764898-CTTCCTCT-C. GRCh37 (hg19) VCF-style: chr16-89831306-CTTCCTCT-C.
Other names: c.2763_2769del (LRG_495t1); c.2763_2769del, p.Glu922fs (NM_001286167.3); short protein forms E922fs.
Identifiers: ClinVar variation 553176 (VCV000553176.9), dbSNP rs1555545421, ClinGen allele CA658824821.

ClinVar aggregate classification (germline): Pathogenic/Likely pathogenic. Review status: criteria provided, multiple submitters, no conflicts (2 of 4 stars). 4 submissions from 4 submitters: Pathogenic (1); Likely pathogenic (2). 1 of the submissions does not count toward it. Last evaluated 2024-01-08.

Conditions:
Fanconi anemia (FA). Also called: Fanconi's anemia. Identifiers: Orphanet 84, MedGen C0015625, MeSH D005199, MONDO:0019391.
Fanconi anemia complementation group A (FANCA). Also called: Fanconi anemia, group A; FANCA-Related Fanconi Anemia. Identifiers: Orphanet 84, MedGen C3469521, MONDO:0009215, OMIM 227650.

Submissions (4):

Fulgent Genetics
Classification: Likely pathogenic for Fanconi anemia complementation group A. Last evaluated: 2024-01-08. Review status: criteria provided, single submitter. Criteria: ACMG Guidelines, 2015. Collection method: clinical testing. Allele origin: germline.

Baylor Genetics
Classification: Likely pathogenic for Fanconi anemia complementation group A. Last evaluated: 2022-10-21. Review status: criteria provided, single submitter. Criteria: ACMG Guidelines, 2015. Collection method: clinical testing. Allele origin: unknown.

Labcorp Genetics (formerly Invitae), Labcorp
Classification: Pathogenic for Fanconi anemia. Last evaluated: 2022-02-10. Review status: criteria provided, single submitter. Criteria: Invitae Variant Classification Sherloc (09022015). Collection method: clinical testing. Allele origin: germline.
Comment: For these reasons, this variant has been classified as Pathogenic. ClinVar contains an entry for this variant (Variation ID: 553176). This variant has not been reported in the literature in individuals affected with FANCA-related conditions. This variant is not present in population databases (gnomAD no frequency). This sequence change creates a premature translational stop signal (p.Glu922Metfs*4) in the FANCA gene. It is expected to result in an absent or disrupted protein product. Loss-of-function variants in FANCA are known to be pathogenic (PMID: 19367192).

Counsyl
Classification: Likely pathogenic for Fanconi anemia complementation group A. Last evaluated: 2017-08-01. Review status: no assertion criteria provided. Collection method: clinical testing. Allele origin: unknown. Not counted in ClinVar's aggregate classification.

Literature cited by the submitters: PubMed 19367192 (cited by Labcorp Genetics (formerly Invitae), Labcorp).